The following is an entry in ClinVar:

NM_033305.3(VPS13A):c.4927G>A (p.Asp1643Asn)

Gene: VPS13A (vacuolar protein sorting 13 homolog A; plus strand). Cytogenetic location: 9q21.2.
Variant type: single nucleotide variant.
Coding change: c.4927G>A on transcript NM_033305.3 (MANE Select); coding-DNA position 4927, G replaced by A.
Protein change: p.Asp1643Asn; replaces aspartic acid 1643 with asparagine.
Molecular consequence: missense variant.
Genome position (GRCh38, 1-based): chr9:77,317,669, G>A. VCF-style: chr9-77317669-G-A. GRCh37 (hg19) VCF-style: chr9-79932585-G-A.
Other names: c.4810G>A, p.Asp1604Asn (NM_001018037.2); c.4927G>A, p.Asp1643Asn (NM_001018038.3, NM_015186.4); short protein forms D1643N, D1604N.
Identifiers: ClinVar variation 367386 (VCV000367386.19), dbSNP rs74622901, ClinGen allele CA5092637.

ClinVar aggregate classification (germline): Benign. Review status: criteria provided, multiple submitters, no conflicts (2 of 4 stars). 5 submissions from 5 submitters: Benign (4). 1 of the submissions does not count toward it. Last evaluated 2026-02-04.

Conditions:
VPS13A-related neurodegenerative disease. Also called: Choreoacanthocytosis; Chorea-acanthocytosis; LEVINE-CRITCHLEY SYNDROME; Choreaacanthocytosis; ACANTHOCYTOSIS WITH NEUROLOGIC DISORDER; VPS13A Disease. Identifiers: Orphanet 2388, MedGen C0393576, MONDO:0008695, OMIM 200150.

Allele frequency attached by ClinVar (database versions not stated): gnomAD 0.00134 and 0.00184; TOPMed 0.00244; gnomAD exomes 0.00442; ExAC 0.00515; 1000 Genomes Project 30x 0.01031; 1000 Genomes Project 0.01098.
gnomAD v4.1: 2,328 of 1,598,268 alleles (0.15%); highest among the groups gnomAD compares: East Asian, 4.7%; 56 homozygotes.

Submissions (5):

Labcorp Genetics (formerly Invitae), Labcorp
Classification: Benign. Last evaluated: 2026-02-04. Review status: criteria provided, single submitter. Criteria: Invitae Variant Classification Sherloc (09022015). Collection method: clinical testing. Allele origin: germline.

GeneDx
Classification: Benign. Last evaluated: 2018-09-04. Review status: criteria provided, single submitter. Criteria: GeneDx Variant Classification Process June 2021. Collection method: clinical testing. Allele origin: germline. Affected: yes.

Illumina Laboratory Services, Illumina
Classification: Benign for VPS13A-related neurodegenerative disease. Last evaluated: 2018-01-13. Review status: criteria provided, single submitter. Criteria: ICSL Variant Classification Criteria 13 December 2019. Collection method: clinical testing. Allele origin: germline.
Comment: This variant was observed in the ICSL laboratory as part of a predisposition screen in an ostensibly healthy population. It had not been previously curated by ICSL or reported in the Human Gene Mutation Database (HGMD: prior to June 1st, 2018), and was therefore a candidate for classification through an automated scoring system. Utilizing variant allele frequency, disease prevalence and penetrance estimates, and inheritance mode, an automated score was calculated to assess if this variant is too frequent to cause the disease. Based on the score and internal cut-off values, a variant classified as benign is not then subjected to further curation. The score for this variant resulted in a classification of benign for this disease.

Breakthrough Genomics
Classification: Benign. Review status: criteria provided, single submitter. Criteria: ACMG Guidelines, 2015. Collection method: not provided. Allele origin: germline. Inheritance: Autosomal recessive inheritance. Affected: yes.

Natera, Inc.
Classification: Benign for Choreaacanthocytosis. Last evaluated: 2020-09-16. Review status: no assertion criteria provided. Collection method: clinical testing. Allele origin: germline. Not counted in ClinVar's aggregate classification.